The following is an entry in ClinVar:

NM_001486.4(GCKR):c.679C>T (p.Arg227Ter)

Gene: GCKR (glucokinase regulator; plus strand). Cytogenetic location: 2p23.3.
Variant type: single nucleotide variant.
Coding change: c.679C>T on transcript NM_001486.4 (MANE Select); coding-DNA position 679, C replaced by T.
Protein change: p.Arg227Ter; replaces arginine 227 with a stop codon.
Molecular consequence: nonsense.
Genome position (GRCh38, 1-based): chr2:27,503,548, C>T. VCF-style: chr2-27503548-C-T. GRCh37 (hg19) VCF-style: chr2-27726415-C-T.
Other names: short protein forms R227*.
Identifiers: ClinVar variation 1303200 (VCV001303200.6), dbSNP rs149847328, ClinGen allele CA1581675.

ClinVar aggregate classification (germline): Uncertain significance. Review status: criteria provided, multiple submitters, no conflicts (2 of 4 stars). 3 submissions from 3 submitters: Uncertain significance (3). Last evaluated 2026-01-18.

Allele frequency attached by ClinVar (database versions not stated): gnomAD 0.00011 and 0.00013; TOPMed 0.00012; ESP Exome Variant Server 0.00015; gnomAD exomes 0.00031; ExAC 0.00040; 1000 Genomes Project 30x 0.00078; 1000 Genomes Project 0.00080.

Submissions (3):

Labcorp Genetics (formerly Invitae), Labcorp
Classification: Uncertain significance. Last evaluated: 2026-01-18. Review status: criteria provided, single submitter. Criteria: Invitae Variant Classification Sherloc (09022015). Collection method: clinical testing. Allele origin: germline.
Comment: This sequence change creates a premature translational stop signal (p.Arg227*) in the GCKR gene. It is expected to result in an absent or disrupted protein product. However, the current clinical and genetic evidence is not sufficient to establish whether loss-of-function variants in GCKR cause disease. This variant is present in population databases (rs149847328, gnomAD 0.08%), and has an allele count higher than expected for a pathogenic variant. This premature translational stop signal has been observed in individual(s) with dyslipidemia (PMID: 36325899). ClinVar contains an entry for this variant (Variation ID: 1303200). Algorithms developed to predict the effect of sequence changes on RNA splicing suggest that this variant may disrupt the consensus splice site. In summary, the available evidence is currently insufficient to determine the role of this variant in disease. Therefore, it has been classified as a Variant of Uncertain Significance.

AiLife Diagnostics
Classification: Uncertain significance. Last evaluated: 2021-06-29. Review status: criteria provided, single submitter. Criteria: ACMG Guidelines, 2015. Collection method: clinical testing. Allele origin: germline. Affected: yes. Observed: 1 variant allele.

GeneDx
Classification: Uncertain significance. Last evaluated: 2020-01-20. Review status: criteria provided, single submitter. Criteria: GeneDx Variant Classification Process June 2021. Collection method: clinical testing. Allele origin: germline. Affected: yes.
Comment: Identified in one family with obesity in published literature, and although several obese relatives also harbored this variant, another non-obese relative as well as several related non-obese control subjects also harbored this variant leading the authors to conclude that this variant does not predispose to obesity (Veiga-da-Cunha et al., 2003); Identified in one individual with nonalcoholic fatty liver disease (NAFLD) in published literature who had markedly decreased GCKR protein expression in their liver compared to individuals with NAFLD who had wild-type GCKR alleles (Pirola et al., 2018); Nonsense variant predicted to result in protein truncation or nonsense mediated decay in a gene for which loss-of-function is not a known mechanism of disease; This variant is associated with the following publications: (PMID: 25525159, 30202818, 12739015, 32041611)

Literature cited by the submitters: PubMed 36325899 (cited by Labcorp Genetics (formerly Invitae), Labcorp); PubMed 12739015 (cited by AiLife Diagnostics); PubMed 32041611 (cited by AiLife Diagnostics); PubMed 30202818 (cited by AiLife Diagnostics); PubMed 25525159 (cited by AiLife Diagnostics).